The following is an entry in ClinVar:

NC_000002.12:g.219233284AGA[1]

Gene: ANKZF1 (ankyrin repeat and zinc finger peptidyl tRNA hydrolase 1; plus strand). Cytogenetic location: 2q35.
Variant type: Microsatellite.
Genome position: GRCh38 VCF-style: chr2-219233283-CAGA-C. GRCh37 (hg19) VCF-style: chr2-220098005-CAGA-C.
Identifiers: ClinVar variation 2711624 (VCV002711624.3), dbSNP rs1951097067, ClinGen allele CA1329122824.

ClinVar aggregate classification (germline): Uncertain significance (1 of 4 stars; one submission).

Submission:

Labcorp Genetics (formerly Invitae), Labcorp
Classification: Uncertain significance. Last evaluated: 2023-07-28. Review status: criteria provided, single submitter. Criteria: Invitae Variant Classification Sherloc (09022015). Collection method: clinical testing. Allele origin: germline.
Comment: This variant, c.673_675del, results in the deletion of 1 amino acid(s) of the ANKZF1 protein (p.Arg225del), but otherwise preserves the integrity of the reading frame. This variant is not present in population databases (gnomAD no frequency). This variant has not been reported in the literature in individuals affected with ANKZF1-related conditions. Algorithms developed to predict the effect of sequence changes on RNA splicing suggest that this variant may disrupt the consensus splice site. In summary, the available evidence is currently insufficient to determine the role of this variant in disease. Therefore, it has been classified as a Variant of Uncertain Significance.